The following is an entry in ClinVar:

NM_004260.4(RECQL4):c.1150C>T (p.Arg384Trp)

Gene: RECQL4 (RecQ like helicase 4; minus strand). Cytogenetic location: 8q24.3.
Variant type: single nucleotide variant.
Coding change: c.1150C>T on transcript NM_004260.4 (MANE Select); coding-DNA position 1150, C replaced by T.
Protein change: p.Arg384Trp; replaces arginine 384 with tryptophan.
Molecular consequence: missense variant.
Genome position (GRCh38, 1-based): chr8:144,515,872, G>A on the plus strand (C>T on the coding strand, the complement: RECQL4 is on the minus strand). VCF-style: chr8-144515872-G-A. GRCh37 (hg19) VCF-style: chr8-145741256-G-A.
Other names: short protein forms R384W.
Identifiers: ClinVar variation 847640 (VCV000847640.10), dbSNP rs766026341, ClinGen allele CA4949007.

ClinVar aggregate classification (germline): Uncertain significance. Review status: criteria provided, multiple submitters, no conflicts (2 of 4 stars). 4 submissions from 4 submitters: Uncertain significance (4). Last evaluated 2024-12-12.

Conditions:
Inborn genetic diseases. Identifiers: MedGen C0950123, MeSH D030342.
Baller-Gerold syndrome (BGS). Also called: CRANIOSYNOSTOSIS WITH RADIAL DEFECTS. Identifiers: Orphanet 1225, MedGen C0265308, MONDO:0009039, OMIM 218600.

Allele frequency attached by ClinVar (database versions not stated): gnomAD 0.00001; TOPMed 0.00002.
gnomAD v4.1: 35 of 1,612,696 alleles (0.0022%); highest among the groups gnomAD compares: Non-Finnish European, 0.0028%; no homozygotes.

Submissions (4):

Ambry Genetics
Classification: Uncertain significance for Inborn genetic diseases. Last evaluated: 2024-12-12. Review status: criteria provided, single submitter. Criteria: Ambry Variant Classification Scheme 2023. Collection method: clinical testing. Allele origin: germline.
Comment: The p.R384W variant (also known as c.1150C>T), located in coding exon 6 of the RECQL4 gene, results from a C to T substitution at nucleotide position 1150. The arginine at codon 384 is replaced by tryptophan, an amino acid with dissimilar properties. This amino acid position is conserved. In addition, this alteration is predicted to be tolerated by in silico analysis. Based on the available evidence, the clinical significance of this variant remains unclear.

GeneDx
Classification: Uncertain significance. Last evaluated: 2024-03-25. Review status: criteria provided, single submitter. Criteria: GeneDx Variant Classification Process June 2021. Collection method: clinical testing. Allele origin: germline. Affected: yes.
Comment: Not observed at significant frequency in large population cohorts (gnomAD); In silico analysis supports that this missense variant has a deleterious effect on protein structure/function; Has not been previously published as pathogenic or benign to our knowledge

Labcorp Genetics (formerly Invitae), Labcorp
Classification: Uncertain significance for Baller-Gerold syndrome. Last evaluated: 2023-12-12. Review status: criteria provided, single submitter. Criteria: Invitae Variant Classification Sherloc (09022015). Collection method: clinical testing. Allele origin: germline.
Comment: This sequence change replaces arginine, which is basic and polar, with tryptophan, which is neutral and slightly polar, at codon 384 of the RECQL4 protein (p.Arg384Trp). This variant is present in population databases (rs766026341, gnomAD 0.003%). This variant has not been reported in the literature in individuals affected with RECQL4-related conditions. ClinVar contains an entry for this variant (Variation ID: 847640). Advanced modeling of protein sequence and biophysical properties (such as structural, functional, and spatial information, amino acid conservation, physicochemical variation, residue mobility, and thermodynamic stability) performed at Invitae indicates that this missense variant is not expected to disrupt RECQL4 protein function with a negative predictive value of 80%. Algorithms developed to predict the effect of sequence changes on RNA splicing suggest that this variant may disrupt the consensus splice site. In summary, the available evidence is currently insufficient to determine the role of this variant in disease. Therefore, it has been classified as a Variant of Uncertain Significance.

Institute for Clinical Genetics, University Hospital TU Dresden, University Hospital TU Dresden
Classification: Uncertain significance. Last evaluated: 2021-11-03. Review status: criteria provided, single submitter. Criteria: ACMG Guidelines, 2015. Collection method: clinical testing. Allele origin: germline.